The following is an entry in ClinVar:

ClinVar aggregate classification (germline): Pathogenic (1 of 4 stars; one submission).

Conditions:
DNA ligase IV deficiency. Identifiers: Orphanet 99812, MedGen C1847827, MONDO:0011686, OMIM 606593.

Submission:

Labcorp Genetics (formerly Invitae), Labcorp
Classification: Pathogenic for DNA ligase IV deficiency. Last evaluated: 2023-06-23. Review status: criteria provided, single submitter. Criteria: Invitae Variant Classification Sherloc (09022015). Collection method: clinical testing. Allele origin: germline.
Comment: This variant is present in population databases (no rsID available, gnomAD 0.007%). This variant has not been reported in the literature in individuals affected with LIG4-related conditions. This variant disrupts a region of the LIG4 protein in which other variant(s) (p.Gln904*) have been determined to be pathogenic (PMID: 34630384). This suggests that this is a clinically significant region of the protein, and that variants that disrupt it are likely to be disease-causing. For these reasons, this variant has been classified as Pathogenic. This sequence change creates a premature translational stop signal (p.Ile84Asnfs*2) in the LIG4 gene. While this is not anticipated to result in nonsense mediated decay, it is expected to disrupt the last 828 amino acid(s) of the LIG4 protein.

Literature cited by the submitters: PubMed 34630384.

NM_206937.2(LIG4):c.250dup (p.Ile84fs)

Gene: LIG4 (DNA ligase 4; minus strand). Cytogenetic location: 13q33.3.
Variant type: Duplication.
Coding change: c.250dup on transcript NM_206937.2 (MANE Select); coding-DNA position 250, one base duplicated (A; older notation c.250dupA).
Protein change: p.Ile84fs; shifts the reading frame from isoleucine 84.
Molecular consequence: frameshift variant.
Genome position (GRCh38, 1-based): chr13:108,211,019, T duplicated on the plus strand (A on the coding strand, the reverse complement: LIG4 is on the minus strand); the first of 2 consecutive T bases (chr13:108,211,019-108,211,020); duplicating either gives the same sequence. VCF-style (leftmost placement, unchanged base first): chr13-108211018-A-AT. GRCh37 (hg19) VCF-style: chr13-108863366-A-AT.
Other names: c.250dup, p.Ile84fs (NM_001098268.2, NM_001352598.2, NM_001352599.2 and 6 more transcripts); c.49dup, p.Ile17fs (NM_001330595.2); c.286dup, p.Ile96fs (NM_001352604.2); short protein forms I96fs, I17fs, I84fs.
Identifiers: ClinVar variation 2697967 (VCV002697967.3), dbSNP rs1164783105, ClinGen allele CA612360458.
Genomic context (GRCh38, chr13:108,211,018, plus strand): 5'-TTTCCATCTCTAGGTAAATTAAGCAACTCAATATAAAGCTTAGCAAGCATAGTTTCTTTA[A>AT]TTCCATAGGCCATTCTCTCTCTTTCTAGCTGAGGAAGAATTAGTCTCATTGCTGGATAAA-3'